The following is an entry in ClinVar:

NM_003701.4(TNFSF11):c.718G>A (p.Val240Met)

Gene: TNFSF11 (TNF superfamily member 11; plus strand). Cytogenetic location: 13q14.11.
Variant type: single nucleotide variant.
Coding change: c.718G>A on transcript NM_003701.4 (MANE Select); coding-DNA position 718, G replaced by A.
Protein change: p.Val240Met; replaces valine 240 with methionine.
Molecular consequence: missense variant.
Genome position (GRCh38, 1-based): chr13:42,606,682, G>A. VCF-style: chr13-42606682-G-A. GRCh37 (hg19) VCF-style: chr13-43180818-G-A.
Other names: c.499G>A, p.Val167Met (NM_033012.4); short protein forms V167M, V240M.
Identifiers: ClinVar variation 1511514 (VCV001511514.8), dbSNP rs2137915962, ClinGen allele CA388221595.

ClinVar aggregate classification (germline): Uncertain significance (1 of 4 stars; one submission).

gnomAD v4.1: 1 of 1,614,220 alleles (0.000062%); no homozygotes.

Submission:

Labcorp Genetics (formerly Invitae), Labcorp
Classification: Uncertain significance. Last evaluated: 2024-11-04. Review status: criteria provided, single submitter. Criteria: Invitae Variant Classification Sherloc (09022015). Collection method: clinical testing. Allele origin: germline.
Comment: This sequence change replaces valine, which is neutral and non-polar, with methionine, which is neutral and non-polar, at codon 240 of the TNFSF11 protein (p.Val240Met). This variant is not present in population databases (gnomAD no frequency). This variant has not been reported in the literature in individuals affected with TNFSF11-related conditions. ClinVar contains an entry for this variant (Variation ID: 1511514). Invitae Evidence Modeling of protein sequence and biophysical properties (such as structural, functional, and spatial information, amino acid conservation, physicochemical variation, residue mobility, and thermodynamic stability) has been performed for this missense variant. However, the output from this modeling did not meet the statistical confidence thresholds required to predict the impact of this variant on TNFSF11 protein function. Algorithms developed to predict the effect of sequence changes on RNA splicing suggest that this variant may create or strengthen a splice site. In summary, the available evidence is currently insufficient to determine the role of this variant in disease. Therefore, it has been classified as a Variant of Uncertain Significance.